The following is an entry in ClinVar:

ClinVar aggregate classification (germline): Uncertain significance (1 of 4 stars; one submission).

Conditions:
Myopathy with tubular aggregates (TAM). Also called: Tubular Aggregate Myopathy. Identifiers: Orphanet 2593, MedGen C0410207, MONDO:0008051.
Combined immunodeficiency due to STIM1 deficiency. Also called: IMMUNODEFICIENCY 10; STIM1 DEFICIENCY. Identifiers: Orphanet 169090, Orphanet 317430, MedGen C2748557, MONDO:0013008, OMIM 612783.
Stormorken syndrome (STRMK). Also called: THROMBOCYTOPATHY, ASPLENIA, AND MIOSIS. Identifiers: Orphanet 3204, MedGen C1861451, MONDO:0008497, OMIM 185070.

Allele frequency attached by ClinVar (database versions not stated): gnomAD 0.00001; TOPMed 0.00002; gnomAD exomes 0.00003.
gnomAD v4.1: 39 of 1,614,114 alleles (0.0024%); highest among the groups gnomAD compares: Non-Finnish European, 0.0032%; no homozygotes.

Submission:

Labcorp Genetics (formerly Invitae), Labcorp
Classification: Uncertain significance for Myopathy with tubular aggregates; Combined immunodeficiency due to STIM1 deficiency; Stormorken syndrome. Last evaluated: 2024-01-01. Review status: criteria provided, single submitter. Criteria: Invitae Variant Classification Sherloc (09022015). Collection method: clinical testing. Allele origin: germline.
Comment: This sequence change replaces glutamine, which is neutral and polar, with lysine, which is basic and polar, at codon 431 of the STIM1 protein (p.Gln431Lys). This variant is not present in population databases (gnomAD no frequency). This variant has not been reported in the literature in individuals affected with STIM1-related conditions. ClinVar contains an entry for this variant (Variation ID: 530878). Advanced modeling of protein sequence and biophysical properties (such as structural, functional, and spatial information, amino acid conservation, physicochemical variation, residue mobility, and thermodynamic stability) has been performed at Invitae for this missense variant, however the output from this modeling did not meet the statistical confidence thresholds required to predict the impact of this variant on STIM1 protein function. In summary, the available evidence is currently insufficient to determine the role of this variant in disease. Therefore, it has been classified as a Variant of Uncertain Significance.

NM_001382567.1(STIM1):c.1291C>A (p.Gln431Lys)

Gene: STIM1 (stromal interaction molecule 1; plus strand). Cytogenetic location: 11p15.4.
Variant type: single nucleotide variant.
Coding change: c.1291C>A on transcript NM_001382567.1 (MANE Select); coding-DNA position 1291, C replaced by A.
Protein change: p.Gln431Lys; replaces glutamine 431 with lysine.
Molecular consequence: missense variant. On other transcripts: non-coding transcript variant (2).
Genome position (GRCh38, 1-based): chr11:4,083,315, C>A. VCF-style: chr11-4083315-C-A. GRCh37 (hg19) VCF-style: chr11-4104545-C-A.
Other names: c.1291C>A, p.Gln431Lys (NM_001277961.3, NM_001277962.2, NM_003156.4); c.1069C>A, p.Gln357Lys (NM_001382566.1, NM_001382573.1, NM_001382575.1 and 4 more transcripts); c.1312C>A, p.Gln438Lys (NM_001382568.1); c.1156C>A, p.Gln386Lys (NM_001382569.1); c.1063C>A, p.Gln355Lys (NM_001382570.1); c.811C>A, p.Gln271Lys (NM_001382571.1); c.802C>A, p.Gln268Lys (NM_001382580.1, NM_001382581.1); short protein forms Q431K, Q268K, Q271K, Q355K, Q357K, Q386K, Q438K.
Identifiers: ClinVar variation 530878 (VCV000530878.8), dbSNP rs199666087, ClinGen allele CA216529732.